The following is an entry in ClinVar:

NM_021813.4(BACH2):c.2027G>A (p.Cys676Tyr)

Gene: BACH2 (BACH transcriptional regulator 2; minus strand). Cytogenetic location: 6q15.
Variant type: single nucleotide variant.
Coding change: c.2027G>A on transcript NM_021813.4 (MANE Select); coding-DNA position 2027, G replaced by A.
Protein change: p.Cys676Tyr; replaces cysteine 676 with tyrosine.
Molecular consequence: missense variant.
Genome position (GRCh38, 1-based): chr6:89,938,160, C>T on the plus strand (G>A on the coding strand, the complement: BACH2 is on the minus strand). VCF-style: chr6-89938160-C-T. GRCh37 (hg19) VCF-style: chr6-90647879-C-T.
Other names: c.2027G>A, p.Cys676Tyr (NM_001170794.2); c.2027G>A (NM_021813.2); short protein forms C676Y.
Identifiers: ClinVar variation 1907376 (VCV001907376.6), dbSNP rs780989553, ClinGen allele CA3927886.

ClinVar aggregate classification (germline): Uncertain significance. Review status: criteria provided, multiple submitters, no conflicts (2 of 4 stars). 2 submissions from 2 submitters: Uncertain significance (2). Last evaluated 2023-11-20.

Allele frequency attached by ClinVar (database versions not stated): ExAC 0.00001; gnomAD exomes 0.00001.
gnomAD v4.1: 14 of 1,612,982 alleles (0.00087%); highest among the groups gnomAD compares: Non-Finnish European, 0.0012%; no homozygotes.

Submissions (2):

Ambry Genetics
Classification: Uncertain significance. Last evaluated: 2023-11-20. Review status: criteria provided, single submitter. Criteria: Ambry Variant Classification Scheme 2023. Collection method: clinical testing. Allele origin: germline.

Labcorp Genetics (formerly Invitae), Labcorp
Classification: Uncertain significance. Last evaluated: 2022-06-22. Review status: criteria provided, single submitter. Criteria: Invitae Variant Classification Sherloc (09022015). Collection method: clinical testing. Allele origin: germline.
Comment: This sequence change replaces cysteine, which is neutral and slightly polar, with tyrosine, which is neutral and polar, at codon 676 of the BACH2 protein (p.Cys676Tyr). This variant is present in population databases (rs780989553, gnomAD 0.0009%). Algorithms developed to predict the effect of missense changes on protein structure and function are either unavailable or do not agree on the potential impact of this missense change (SIFT: "Deleterious"; PolyPhen-2: "Probably Damaging"; Align-GVGD: "Class C0"). This variant has not been reported in the literature in individuals affected with BACH2-related conditions. In summary, the available evidence is currently insufficient to determine the role of this variant in disease. Therefore, it has been classified as a Variant of Uncertain Significance.